The following is an entry in ClinVar:

ClinVar aggregate classification (germline): Uncertain significance (1 of 4 stars; one submission).

Conditions:
Hereditary cancer-predisposing syndrome. Also called: Neoplastic Syndromes, Hereditary; Tumor predisposition; Hereditary neoplastic syndrome; Hereditary Cancer Syndrome. Identifiers: Orphanet 140162, MedGen C0027672, MeSH D009386, MONDO:0015356.

Submission:

Ambry Genetics
Classification: Uncertain significance for Hereditary cancer-predisposing syndrome. Last evaluated: 2026-07-06. Review status: criteria provided, single submitter. Criteria: Ambry Variant Classification Scheme 2023. Collection method: clinical testing. Allele origin: germline.
Comment: The p.V734A variant (also known as c.2201T>C), located in coding exon 13 of the PMS2 gene, results from a T to C substitution at nucleotide position 2201. The valine at codon 734 is replaced by alanine, an amino acid with similar properties. This amino acid position is conserved. In addition, the in silico prediction for this alteration is inconclusive. Based on the available evidence, the clinical significance of this variant remains unclear.

NM_000535.7(PMS2):c.2201T>C (p.Val734Ala)

Gene: PMS2 (PMS1 homolog 2, mismatch repair system component; minus strand). Cytogenetic location: 7p22.1.
Variant type: single nucleotide variant.
Coding change: c.2201T>C on transcript NM_000535.7 (MANE Select); coding-DNA position 2201, T replaced by C.
Protein change: p.Val734Ala; replaces valine 734 with alanine.
Molecular consequence: missense variant. On other transcripts: non-coding transcript variant (1), intron variant (2).
Genome position (GRCh38, 1-based): chr7:5,978,670, A>G on the plus strand (T>C on the coding strand, the complement: PMS2 is on the minus strand). VCF-style: chr7-5978670-A-G. GRCh37 (hg19) VCF-style: chr7-6018301-A-G.
Other names: c.1268T>C, p.Val423Ala (NM_001322012.2, NM_001322011.2); c.1628T>C, p.Val543Ala (NM_001322013.2, NM_001406908.1, NM_001406909.1); c.2201T>C, p.Val734Ala (NM_001322014.2); c.1892T>C, p.Val631Ala (NM_001322015.2, NM_001406875.1, NM_001406877.1 and 5 more transcripts); c.2387T>C, p.Val796Ala (NM_001406866.1); c.2225T>C, p.Val742Ala (NM_001406868.1); c.2093T>C, p.Val698Ala (NM_001406869.1); c.2045T>C, p.Val682Ala (NM_001406870.1, NM_001322006.2); and 16 more; short protein forms V543A, V572A, V622A, V477A, V563A, V579A, V599A, V631A.
Identifiers: ClinVar variation 5026917 (VCV005026917.1).